The following is an entry in ClinVar:

NM_014263.4(YME1L1):c.1999C>G (p.Leu667Val)

Gene: YME1L1 (YME1 like 1 ATPase; minus strand). Cytogenetic location: 10p12.1.
Variant type: single nucleotide variant.
Coding change: c.1999C>G on transcript NM_014263.4 (MANE Select); coding-DNA position 1999, C replaced by G.
Protein change: p.Leu667Val; replaces leucine 667 with valine.
Molecular consequence: missense variant.
Genome position (GRCh38, 1-based): chr10:27,114,529, G>C on the plus strand (C>G on the coding strand, the complement: YME1L1 is on the minus strand). VCF-style: chr10-27114529-G-C. GRCh37 (hg19) VCF-style: chr10-27403458-G-C.
Other names: g.27403458G>C; c.1900C>G, p.Leu634Val (NM_001253866.2); c.2170C>G, p.Leu724Val (NM_139312.3); short protein forms L634V, L667V, L724V.
Identifiers: ClinVar variation 3362877 (VCV003362877.2).

ClinVar aggregate classification (germline): Likely pathogenic (1 of 4 stars; one submission).

Conditions:
3-Methylglutaconic aciduria. Identifiers: Orphanet 289902, MedGen C3696376, MONDO:0017359, HP:0003535.

Submission:

Biochemical Genetics Department, Cyprus Institute of Neurology and Genetics
Classification: Likely pathogenic for 3-Methylglutaconic aciduria. Last evaluated: 2024-09-02. Review status: criteria provided, single submitter. Criteria: ACGS Best Practice Guidelines for Variant Classification in Rare Disease 2020. Collection method: clinical testing, in vitro. Allele origin: germline, not applicable. Inheritance: Autosomal recessive inheritance. Affected: yes. Observed: 4 variant alleles, 2 heterozygotes, 2 homozygotes. Clinical features observed: Sensorineural hearing loss disorder (HP:0000407), Dysarthria (HP:0001260), Mild global developmental delay (HP:0011342), Cerebellar ataxia (HP:0001251), 3-Methylglutaconic aciduria (HP:0003535), Increased circulating lactate concentration (HP:0002151). Functional consequence: effect on protein activity.
Comment: The NM_014263.4(YME1L1):c.1999C>G p.(Leu667Val) is a missense variant that replaces the highly conserved leucine at position 667 to valine within the C-terminal metalloprotease domain of the protein. This variant is absent from the gnomAD and other population databases (PM2_Moderate). The aggregated score (0.726) of in silico prediction tools, predicts a deleterious effect (PP3_Supporting). YME1L1 is an ATP-dependent metalloprotease embedded in the inner mitochondrial membrane and has an important role in regulating mitochondrial homeostasis and morphology. It is implicated in the processing of OPA1, a crucial mediator of mitochondrial fusion and in degradation of other mitochondrial proteins, such as lipid transfer proteins and components of protein translocases. Our in vitro functional studies on patient-derived fibroblasts provide evidence that the c.1999C>G p.(Leu667Val) variant results in impaired YME1L1 proteolytic activity, as revealed by the accumulation of PRELID1 and abnormal OPA1 processing as compared to control fibroblasts. Moreover, mitochondrial fragmentation was observed in patients’ fibroblasts (PS3_strong). This variant co-segregates with the disease (PP1_supporting). In summary, this variant meets the criteria to be classified as likely pathogenic, according to the recommendations of The American College of Medical Genetics and Genomics (ACMG).